The following is an entry in ClinVar:

ClinVar aggregate classification (germline): Pathogenic (1 of 4 stars; one submission).

Conditions:
X-linked mixed hearing loss with perilymphatic gusher. Also called: Deafness, X-linked 2; NANCE DEAFNESS; PERILYMPHATIC GUSHER-DEAFNESS SYNDROME; SENSORINEURAL DEAFNESS, PROFOUND, WITH OR WITHOUT A CONDUCTIVE COMPONENT, ASSOCIATED WITH A UNIQUE DEVELOPMENTAL ABNORMALITY OF THE EAR; Gusher syndrome. Identifiers: Orphanet 383, MedGen C1844678, MONDO:0010576, OMIM 304400.

Submission:

Institute of Rare Diseases, West China Hospital, Sichuan University
Classification: Pathogenic for X-linked mixed hearing loss with perilymphatic gusher. Last evaluated: 2025-01-09. Review status: criteria provided, single submitter. Criteria: ClinGen HL ACMG Specifications v1. Collection method: research. Allele origin: germline. Affected: yes.
Comment: PVS1;PM3_Supporting;PP4;PM2_Supporting

NM_000307.5(POU3F4):c.207del (p.Thr70fs)

Gene: POU3F4 (POU class 3 homeobox 4; plus strand). Cytogenetic location: Xq21.1.
Variant type: Deletion.
Coding change: c.207del on transcript NM_000307.5 (MANE Select); coding-DNA position 207, one base deleted (C; older notation c.207delC).
Protein change: p.Thr70fs; shifts the reading frame from threonine 70.
Molecular consequence: frameshift variant.
Genome position (GRCh38, 1-based): chrX:83,508,531, C deleted; the last of 2 consecutive C bases (chrX:83,508,530-83,508,531); deleting either gives the same sequence. VCF-style (leftmost placement, unchanged base first): chrX-83508529-TC-T. GRCh37 (hg19) VCF-style: chrX-82763537-TC-T.
Other names: short protein forms T70fs.
Identifiers: ClinVar variation 3601648 (VCV003601648.1).
Genomic context (GRCh38, chrX:83,508,529, plus strand): 5'-AATGGGCATCCCCTCGGGCATCACTGGGTGACCAGTCTGAGCGACGGGGGCCCATGGTCC[TC>T]CACACTGGCCACCAGCCCCCTGGACCAGCAGGACGTGAAGCCCGGGCGCGAAGACCTGCA-3'